The following is an entry in ClinVar:

ClinVar aggregate classification (germline): Benign (0 of 4 stars; one submission).

Conditions:
MUC16-related disorder. Also called: MUC16-related condition.

Allele frequency attached by ClinVar (database versions not stated): ESP Exome Variant Server 0.00016; ExAC 0.00165; 1000 Genomes Project 30x 0.00187; 1000 Genomes Project 0.00200.

Submission:

PreventionGenetics, part of Exact Sciences
Classification: Benign for MUC16-related condition. Last evaluated: 2019-12-18. Review status: no assertion criteria provided. Collection method: clinical testing. Allele origin: germline.
Comment: This variant is classified as benign based on ACMG/AMP sequence variant interpretation guidelines (Richards et al. 2015 PMID: 25741868, with internal and published modifications).

NM_001401501.2(MUC16):c.11020C>T (p.Arg3674Cys)

Gene: MUC16 (mucin 16, cell surface associated; minus strand). Cytogenetic location: 19p13.2.
Variant type: single nucleotide variant.
Coding change: c.11020C>T on transcript NM_001401501.2 (MANE Select); coding-DNA position 11020, C replaced by T.
Protein change: p.Arg3674Cys; replaces arginine 3674 with cysteine.
Molecular consequence: missense variant.
Genome position (GRCh38, 1-based): chr19:8,965,870, G>A on the plus strand (C>T on the coding strand, the complement: MUC16 is on the minus strand). VCF-style: chr19-8965870-G-A. GRCh37 (hg19) VCF-style: chr19-9076546-G-A.
Other names: c.11446C>T, p.Arg3816Cys (NM_001414686.1); c.10900C>T, p.Arg3634Cys (NM_001414687.1, NM_024690.2); short protein forms R3634C, R3674C, R3816C.
Identifiers: ClinVar variation 3049175 (VCV003049175.2), dbSNP rs191804178, ClinGen allele CA9171375.